The following is an entry in ClinVar:

NM_000277.3(PAH):c.833C>T (p.Thr278Ile)

Gene: PAH (phenylalanine hydroxylase; minus strand). Cytogenetic location: 12q23.2.
Variant type: single nucleotide variant.
Coding change: c.833C>T on transcript NM_000277.3 (MANE Select); coding-DNA position 833, C replaced by T.
Protein change: p.Thr278Ile; replaces threonine 278 with isoleucine.
Molecular consequence: missense variant.
Genome position (GRCh38, 1-based): chr12:102,852,824, G>A on the plus strand (C>T on the coding strand, the complement: PAH is on the minus strand). VCF-style: chr12-102852824-G-A. GRCh37 (hg19) VCF-style: chr12-103246602-G-A.
Other names: NM_000277.1(PAH):c.833C>T; p.Thr278Ile; c.833C>T, p.Thr278Ile (NM_001354304.2); c.833C>T (NM_000277.2); short protein forms T278I.
Identifiers: ClinVar variation 102863 (VCV000102863.16), dbSNP rs62507262, ClinGen allele CA229803.
Genomic context (GRCh38, chr12:102,852,824, plus strand): 5'-AAGATGGCGCTCATTGTGCCTGGCAACTGGTAGCTGGAGGACAGTACTCACGGTTCGGGG[G>A]TATACATGGGCTTGGATCCATGTCTGATGTACTGTGTGCAGTGGAAGACTCGGAAGGCCA-3'
Protein context (NP_000268.1, residues 268-288): YIRHGSKPMY[Thr278Ile]PEPDICHELL

ClinVar aggregate classification (germline): Pathogenic. Review status: reviewed by expert panel (3 of 4 stars). 6 submissions from 6 submitters: Pathogenic (1). 5 of the submissions do not count toward it. Last evaluated 2022-03-05.

Conditions:
Phenylketonuria (PKU). Also called: Phenylketonuria (PKU); FOLLING DISEASE; OLIGOPHRENIA PHENYLPYRUVICA; Phenylketonurias. Identifiers: Orphanet 716, MedGen C0031485, MONDO:0009861, OMIM 261600. Disease mechanism: loss of function.

gnomAD v4.1: 6 of 1,614,064 alleles (0.00037%); highest among the groups gnomAD compares: East Asian, 0.013%; no homozygotes.

Submissions (6):

ClinGen PAH Variant Curation Expert Panel
Classification: Pathogenic for Phenylketonuria. Last evaluated: 2022-03-05. Review status: reviewed by expert panel. Criteria: ClinGen PAH ACMG Specifications v1. Collection method: curation. Allele origin: germline. Inheritance: Autosomal recessive inheritance.
Comment: The c.833C>T (p.Thr278Ile) variant in PAH has been reported in multiple individuals with PAH deficiency (BH4 deficiency ruled out), detected with pathogenic variants: R241C (PMID: 21307867); R241C, A259T (2 patients), R413P, Y356X (PMID: 15503242). Functional studies show a PAH enzyme activity of 1% compared to wild type (PMID: 9860305). This variant is absent in population databases. Computational evidence supports a deleterious effect. In summary, this variant meets criteria to be classified as Pathogenic for PAH. PAH-specific ACMG/AMP criteria applied: PM3_strong, PP4_Moderate, PM2, PP3, PS3_supporting.

Natera, Inc.
Classification: Pathogenic for Phenylketonuria. Last evaluated: 2025-02-14. Review status: criteria provided, single submitter. Criteria: Natera Variant Classification Schema (03/2026). Collection method: clinical testing. Allele origin: germline. Not counted in ClinVar's aggregate classification.
Comment: The c.833C>T variant in PAH is a missense variant predicted to cause substitution of threonine to isoleucine at amino acid 278. This variant is rare in the general population with a frequency below the threshold expected for the associated phenotype(s). This variant has been observed in one or more individuals affected with the associated recessive disease, as either homozygous or compound heterozygous with a second variant (PMID: 23271928, 18985011). Computational prediction algorithms indicate this variant is likely to affect gene or protein function. Given the available evidence, this variant is classified as Pathogenic.

Women's Health and Genetics/Laboratory Corporation of America, LabCorp
Classification: Pathogenic for Phenylketonuria. Last evaluated: 2024-07-08. Review status: criteria provided, single submitter. Criteria: LabCorp Variant Classification Summary - May 2015. Collection method: clinical testing. Allele origin: germline. Not counted in ClinVar's aggregate classification.
Comment: Variant summary: PAH c.833C>T (p.Thr278Ile) results in a non-conservative amino acid change located in the Aromatic amino acid hydroxylase, C-terminal domain (IPR019774) of the encoded protein sequence. Five of five in-silico tools predict a damaging effect of the variant on protein function. The variant was absent in 251320 control chromosomes. c.833C>T has been reported in the literature in homozygous and compound heterozygous individuals affected with Phenylalanine Hydroxylase Deficiency (Phenylketonuria) (e.g. Lee_2004, Lee_2008). These data indicate that the variant is very likely to be associated with disease. A different variant affecting the same codon has been classified as pathogenic by our lab (c.833C>A, p.Thr278Asn), supporting the critical relevance of codon 278 to PAH protein function. To our knowledge, no experimental evidence demonstrating an impact on protein function has been reported. The following publications have been ascertained in the context of this evaluation (PMID: 18985011, 15503242). ClinVar contains an entry for this variant (Variation ID: 102863). Based on the evidence outlined above, the variant was classified as pathogenic.

Labcorp Genetics (formerly Invitae), Labcorp
Classification: Pathogenic for Phenylketonuria. Last evaluated: 2023-04-07. Review status: criteria provided, single submitter. Criteria: Invitae Variant Classification Sherloc (09022015). Collection method: clinical testing. Allele origin: germline. Not counted in ClinVar's aggregate classification.
Comment: For these reasons, this variant has been classified as Pathogenic. Experimental studies have shown that this missense change affects PAH function (PMID: 9860305). Advanced modeling of protein sequence and biophysical properties (such as structural, functional, and spatial information, amino acid conservation, physicochemical variation, residue mobility, and thermodynamic stability) performed at Invitae indicates that this missense variant is expected to disrupt PAH protein function. ClinVar contains an entry for this variant (Variation ID: 102863). This missense change has been observed in individual(s) with PAH-related conditions (PMID: 9860305, 15503242, 18985011, 23271928). This variant is not present in population databases (gnomAD no frequency). This sequence change replaces threonine, which is neutral and polar, with isoleucine, which is neutral and non-polar, at codon 278 of the PAH protein (p.Thr278Ile).

Counsyl
Classification: Pathogenic for Phenylketonuria. Last evaluated: 2018-02-14. Review status: no assertion criteria provided. Collection method: clinical testing. Allele origin: unknown. Not counted in ClinVar's aggregate classification.

DeBelle Laboratory for Biochemical Genetics, MUHC/MCH RESEARCH INSTITUTE
No classification provided. Review status: no classification provided. Collection method: not provided. Allele origin: not provided. Not counted in ClinVar's aggregate classification.

Literature cited by the submitters: PubMed 23271928 (cited by Natera, Inc. and Labcorp Genetics (formerly Invitae), Labcorp); PubMed 18985011 (cited by 4 submitters); PubMed 15503242 (cited by 3 submitters); PubMed 9860305 (cited by Labcorp Genetics (formerly Invitae), Labcorp and Counsyl); PubMed 25894915 (cited by Counsyl); PubMed 21307867 (cited by Counsyl); PubMed 7766957 (cited by Counsyl); PubMed 26322415 (cited by Counsyl).